The following is an entry in ClinVar:

ClinVar aggregate classification (germline): Likely benign (0 of 4 stars; one submission).

Conditions:
DPYD-related disorder. Also called: DPYD-related condition.

Allele frequency attached by ClinVar (database versions not stated): TOPMed 0.00001.

Submission:

PreventionGenetics, part of Exact Sciences
Classification: Likely benign for DPYD-related condition. Last evaluated: 2019-05-15. Review status: no assertion criteria provided. Collection method: clinical testing. Allele origin: germline.
Comment: This variant is classified as likely benign based on ACMG/AMP sequence variant interpretation guidelines (Richards et al. 2015 PMID: 25741868, with internal and published modifications).

NM_000110.4(DPYD):c.483+604T>A

Gene: DPYD (dihydropyrimidine dehydrogenase; minus strand). Cytogenetic location: 1p21.3.
Variant type: single nucleotide variant.
Coding change: c.483+604T>A on transcript NM_000110.4 (MANE Select); 604 bases into the intron after coding-DNA position 483, T replaced by A.
Molecular consequence: intron variant. On other transcripts: synonymous variant (1).
Genome position (GRCh38, 1-based): chr1:97,720,906, A>T on the plus strand (T>A on the coding strand, the complement: DPYD is on the minus strand). VCF-style: chr1-97720906-A-T. GRCh37 (hg19) VCF-style: chr1-98186462-A-T.
Other names: c.504T>A, p.Ser168= (NM_001160301.1).
Identifiers: ClinVar variation 3041744 (VCV003041744.2), dbSNP rs1349131310, ClinGen allele CA740814646.